The following is an entry in ClinVar:

NM_001370259.2(MEN1):c.1050-15C>G

Gene: MEN1 (menin 1; minus strand). Cytogenetic location: 11q13.1.
Variant type: single nucleotide variant.
Coding change: c.1050-15C>G on transcript NM_001370259.2 (MANE Select); 15 bases into the intron before coding-DNA position 1050, C replaced by G.
Molecular consequence: intron variant.
Genome position (GRCh38, 1-based): chr11:64,805,785, G>C on the plus strand (C>G on the coding strand, the complement: MEN1 is on the minus strand). VCF-style: chr11-64805785-G-C. GRCh37 (hg19) VCF-style: chr11-64573257-G-C.
Other names: c.1065-15C>G (NM_130804.3, NM_130803.3, NM_000244.4 and 3 more transcripts); c.1050-15C>G (NM_130799.3, NM_001370260.2, NM_001370261.2); c.1176-15C>G (NM_001370251.2); c.945-15C>G (NM_001370263.2, NM_001370262.2).
Identifiers: ClinVar variation 1776796 (VCV001776796.6), dbSNP rs1465460248, ClinGen allele CA599656472.

ClinVar aggregate classification (germline): Conflicting classifications of pathogenicity. Review status: criteria provided, conflicting classifications (1 of 4 stars). 2 submissions from 2 submitters: Uncertain significance (1); Likely benign (1). Last evaluated 2026-02-20.

Conditions:
Multiple endocrine neoplasia, type 1 (MEN1). Also called: MEN I; WERMER SYNDROME; MEA I; Endocrine adenomatosis multiple; MEN 1. Identifiers: Orphanet 652, MedGen C0025267, MeSH D018761, MONDO:0007540, OMIM 131100.
Hereditary cancer-predisposing syndrome. Also called: Tumor predisposition; Hereditary Cancer Syndrome; Hereditary neoplastic syndrome; Neoplastic Syndromes, Hereditary. Identifiers: Orphanet 140162, MedGen C0027672, MeSH D009386, MONDO:0015356.

Allele frequency attached by ClinVar (database versions not stated): gnomAD 0.00001.
gnomAD v4.1: 1 of 1,613,912 alleles (0.000062%); highest among the groups gnomAD compares: African/African-American, 0.0013%; no homozygotes.

Submissions (2):

Ambry Genetics
Classification: Uncertain significance for Hereditary cancer-predisposing syndrome. Last evaluated: 2026-02-20. Review status: criteria provided, single submitter. Criteria: Ambry Variant Classification Scheme 2023. Collection method: clinical testing. Allele origin: germline.
Comment: The c.1050-15C>G intronic variant results from a C to G substitution 15 nucleotides upstream from coding exon 7 in the MEN1 gene. This nucleotide position is not well conserved in available vertebrate species. In silico splice site analysis for this alteration is inconclusive. Based on the available evidence, the clinical significance of this variant remains unclear.

Labcorp Genetics (formerly Invitae), Labcorp
Classification: Likely benign for Multiple endocrine neoplasia, type 1. Last evaluated: 2024-04-29. Review status: criteria provided, single submitter. Criteria: Invitae Variant Classification Sherloc (09022015). Collection method: clinical testing. Allele origin: germline.